The following is an entry in ClinVar:

NM_000051.4(ATM):c.2218G>A (p.Ala740Thr)

Gene: ATM (ATM serine/threonine kinase; plus strand). Cytogenetic location: 11q22.3.
Variant type: single nucleotide variant.
Coding change: c.2218G>A on transcript NM_000051.4 (MANE Select); coding-DNA position 2218, G replaced by A.
Protein change: p.Ala740Thr; replaces alanine 740 with threonine.
Molecular consequence: missense variant.
Genome position (GRCh38, 1-based): chr11:108,256,308, G>A. VCF-style: chr11-108256308-G-A. GRCh37 (hg19) VCF-style: chr11-108127035-G-A.
Other names: c.2218G>A, p.Ala740Thr (NM_001351834.2); short protein forms A740T.
Identifiers: ClinVar variation 185013 (VCV000185013.19), dbSNP rs786201866, ClinGen allele CA190780.

ClinVar aggregate classification (germline): Uncertain significance. Review status: criteria provided, multiple submitters, no conflicts (2 of 4 stars). 4 submissions from 4 submitters: Uncertain significance (4). Last evaluated 2024-07-30.

Conditions:
Hereditary cancer-predisposing syndrome. Also called: Tumor predisposition; Hereditary Cancer Syndrome; Hereditary neoplastic syndrome; Neoplastic Syndromes, Hereditary. Identifiers: Orphanet 140162, MedGen C0027672, MeSH D009386, MONDO:0015356.
Familial cancer of breast. Also called: BREAST CANCER, FAMILIAL; hereditary breast carcinoma; Hereditary breast cancer. Identifiers: Orphanet 227535, MedGen C0346153, MONDO:0016419, OMIM 114480. Disease mechanism: loss of function.
Ataxia-telangiectasia syndrome (AT). Also called: LOUIS-BAR SYNDROME; Cerebello-oculocutaneous telangiectasia; Immunodeficiency with ataxia telangiectasia; ATAXIA-TELANGIECTASIA, COMPLEMENTATION GROUP A; ATAXIA-TELANGIECTASIA, FRESNO VARIANT; Ataxia-telangiectasia. Identifiers: Orphanet 100, MedGen C0004135, MONDO:0008840, OMIM 208900.

Submissions (4):

Labcorp Genetics (formerly Invitae), Labcorp
Classification: Uncertain significance for Ataxia-telangiectasia syndrome. Last evaluated: 2024-07-30. Review status: criteria provided, single submitter. Criteria: Invitae Variant Classification Sherloc (09022015). Collection method: clinical testing. Allele origin: germline.
Comment: This sequence change replaces alanine, which is neutral and non-polar, with threonine, which is neutral and polar, at codon 740 of the ATM protein (p.Ala740Thr). This variant is not present in population databases (gnomAD no frequency). This variant has not been reported in the literature in individuals affected with ATM-related conditions. ClinVar contains an entry for this variant (Variation ID: 185013). An algorithm developed to predict the effect of missense changes on protein structure and function (PolyPhen-2) suggests that this variant is likely to be disruptive. In summary, the available evidence is currently insufficient to determine the role of this variant in disease. Therefore, it has been classified as a Variant of Uncertain Significance.

Baylor Genetics
Classification: Uncertain significance for Familial cancer of breast. Last evaluated: 2024-01-03. Review status: criteria provided, single submitter. Criteria: ACMG Guidelines, 2015. Collection method: clinical testing. Allele origin: unknown.

Ambry Genetics
Classification: Uncertain significance for Hereditary cancer-predisposing syndrome. Last evaluated: 2023-12-29. Review status: criteria provided, single submitter. Criteria: Ambry Variant Classification Scheme 2023. Collection method: clinical testing. Allele origin: germline.
Comment: The p.A740T variant (also known as c.2218G>A), located in coding exon 13 of the ATM gene, results from a G to A substitution at nucleotide position 2218. The alanine at codon 740 is replaced by threonine, an amino acid with similar properties. This amino acid position is well conserved in available vertebrate species. In addition, the in silico prediction for this alteration is inconclusive. Since supporting evidence is limited at this time, the clinical significance of this alteration remains unclear.

Color Diagnostics, LLC DBA Color Health
Classification: Uncertain significance for Hereditary cancer-predisposing syndrome. Last evaluated: 2021-08-24. Review status: criteria provided, single submitter. Criteria: ACMG Guidelines, 2015. Collection method: clinical testing. Allele origin: germline.
Comment: This missense variant replaces alanine with threonine at codon 740 of the ATM protein. Computational prediction suggests that this variant may not impact protein structure and function (internally defined REVEL score threshold <= 0.5, PMID: 27666373). To our knowledge, functional studies have not been reported for this variant. This variant has not been reported in individuals affected with hereditary cancer in the literature. This variant has not been identified in the general population by the Genome Aggregation Database (gnomAD). The available evidence is insufficient to determine the role of this variant in disease conclusively. Therefore, this variant is classified as a Variant of Uncertain Significance.